The following is an entry in ClinVar:

ClinVar aggregate classification (germline): Benign. Review status: criteria provided, multiple submitters, no conflicts (2 of 4 stars). 4 submissions from 4 submitters: Benign (4). Last evaluated 2026-02-01.

Conditions:
Nephronophthisis 9 (NPHP9). Identifiers: Orphanet 655, MedGen C3151188, MONDO:0013444, OMIM 613824.

Allele frequency attached by ClinVar (database versions not stated): 1000 Genomes Project 0.00699; gnomAD 0.00724 and 0.00671; ESP Exome Variant Server 0.00738; TOPMed 0.00757; 1000 Genomes Project 30x 0.00796; gnomAD exomes 0.00064 and 0.00180; ExAC 0.00235.
gnomAD v4.1: 1,988 of 1,614,090 alleles (0.12%); highest among the groups gnomAD compares: African/African-American, 2.4%; 24 homozygotes.

Submissions (4):

Labcorp Genetics (formerly Invitae), Labcorp
Classification: Benign for Nephronophthisis 9. Last evaluated: 2026-02-01. Review status: criteria provided, single submitter. Criteria: Invitae Variant Classification Sherloc (09022015). Collection method: clinical testing. Allele origin: germline.

Mayo Clinic Laboratories, Mayo Clinic
Classification: Benign. Last evaluated: 2023-04-05. Review status: criteria provided, single submitter. Criteria: ACMG Guidelines, 2015. Collection method: clinical testing. Allele origin: germline. Observed: 3 variant alleles.
Comment: BS1, BS2, BP4, BP7

Illumina Laboratory Services, Illumina
Classification: Benign for Nephronophthisis 9. Last evaluated: 2018-01-13. Review status: criteria provided, single submitter. Criteria: ICSL Variant Classification Criteria 13 December 2019. Collection method: clinical testing. Allele origin: germline.
Comment: This variant was observed in the ICSL laboratory as part of a predisposition screen in an ostensibly healthy population. It had not been previously curated by ICSL or reported in the Human Gene Mutation Database (HGMD: prior to June 1st, 2018), and was therefore a candidate for classification through an automated scoring system. Utilizing variant allele frequency, disease prevalence and penetrance estimates, and inheritance mode, an automated score was calculated to assess if this variant is too frequent to cause the disease. Based on the score and internal cut-off values, a variant classified as benign is not then subjected to further curation. The score for this variant resulted in a classification of benign for this disease.

Breakthrough Genomics
Classification: Benign. Review status: criteria provided, single submitter. Criteria: ACMG Guidelines, 2015. Collection method: not provided. Allele origin: germline. Inheritance: Autosomal recessive inheritance. Affected: yes.

NM_178170.3(NEK8):c.1641C>T (p.Ala547=)

Genes: NEK8 (NIMA related kinase 8; plus strand), LOC130060573 (ATAC-STARR-seq lymphoblastoid active region 11950; plus strand). Cytogenetic location: 17q11.2.
Variant type: single nucleotide variant.
Coding change: c.1641C>T on transcript NM_178170.3 (MANE Select); coding-DNA position 1641, C replaced by T.
Protein change: p.Ala547=; no amino-acid change (alanine 547 retained).
Molecular consequence: synonymous variant.
Genome position (GRCh38, 1-based): chr17:28,740,894, C>T. VCF-style: chr17-28740894-C-T. GRCh37 (hg19) VCF-style: chr17-27067912-C-T.
Other names: p.Ala547=.
Identifiers: ClinVar variation 322484 (VCV000322484.16), dbSNP rs8073738, ClinGen allele CA8467488.
Genomic context (GRCh38, chr17:28,740,894, plus strand): 5'-GGGCCTGGACCACCTCTCCCTGGGGGAGGAGCCTGTCCCCCACCAGCAAGTGGAGGAGGC[C>T]CTGAGCTTCACACTACTAGGCTCTGCACCCCTGGACCAGGAGCCTCTGCTGAGTATAGAC-3'
Protein context (NP_835464.1, residues 537-557): EPVPHQQVEE[Ala547=]LSFTLLGSAP